The following is an entry in ClinVar:

ClinVar aggregate classification (germline): Uncertain significance (1 of 4 stars; one submission).

Conditions:
TP63-Related Spectrum Disorders.

Submission:

Labcorp Genetics (formerly Invitae), Labcorp
Classification: Uncertain significance. Last evaluated: 2024-07-04. Review status: criteria provided, single submitter. Criteria: Invitae Variant Classification Sherloc (09022015). Collection method: clinical testing. Allele origin: germline.
Comment: This sequence change replaces histidine, which is basic and polar, with tyrosine, which is neutral and polar, at codon 443 of the TP63 protein (p.His443Tyr). This variant is not present in population databases (gnomAD no frequency). This variant has not been reported in the literature in individuals affected with TP63-related conditions. Advanced modeling of protein sequence and biophysical properties (such as structural, functional, and spatial information, amino acid conservation, physicochemical variation, residue mobility, and thermodynamic stability) has been performed at Invitae for this missense variant, however the output from this modeling did not meet the statistical confidence thresholds required to predict the impact of this variant on TP63 protein function. In summary, the available evidence is currently insufficient to determine the role of this variant in disease. Therefore, it has been classified as a Variant of Uncertain Significance.

NM_003722.5(TP63):c.1327C>T (p.His443Tyr)

Gene: TP63 (tumor protein p63; plus strand). Cytogenetic location: 3q28.
Variant type: single nucleotide variant.
Coding change: c.1327C>T on transcript NM_003722.5 (MANE Select); coding-DNA position 1327, C replaced by T.
Protein change: p.His443Tyr; replaces histidine 443 with tyrosine.
Molecular consequence: missense variant.
Genome position (GRCh38, 1-based): chr3:189,872,973, C>T. VCF-style: chr3-189872973-C-T. GRCh37 (hg19) VCF-style: chr3-189590762-C-T.
Other names: c.1327C>T, p.His443Tyr (NM_001114978.2, NM_001114979.2, NM_001329144.2); c.1045C>T, p.His349Tyr (NM_001114980.2, NM_001114981.2, NM_001114982.2 and 1 more transcripts); c.790C>T, p.His264Tyr (NM_001329146.2); c.1315C>T, p.His439Tyr (NM_001329148.2); c.1033C>T, p.His345Tyr (NM_001329149.2); c.778C>T, p.His260Tyr (NM_001329150.2); c.1321C>T, p.His441Tyr (NM_001329964.2); short protein forms H345Y, H441Y, H264Y, H349Y, H439Y, H443Y, H260Y.
Identifiers: ClinVar variation 3658785 (VCV003658785.1).